The following is an entry in ClinVar:

ClinVar aggregate classification (germline): Uncertain significance (1 of 4 stars; one submission).

Conditions:
KSR2-related disorder. Also called: KSR2-related condition.

Submission:

PreventionGenetics, part of Exact Sciences
Classification: Uncertain significance for KSR2-related condition. Last evaluated: 2026-07-22. Review status: criteria provided, single submitter. Criteria: ACMG Guidelines, 2015. Collection method: clinical testing. Allele origin: germline.
Comment: The KSR2 c.507C>A variant is predicted to result in the amino acid substitution p.Ser169Arg. To our knowledge, this variant has not been reported in the literature or in a large population database (gnomAD), indicating this variant is rare. At this time, the clinical significance of this variant is uncertain due to the absence of conclusive functional and genetic evidence.

NM_173598.6(KSR2):c.594C>A (p.Ser198Arg)

Gene: KSR2 (kinase suppressor of ras 2; minus strand). Cytogenetic location: 12q24.23.
Variant type: single nucleotide variant.
Coding change: c.594C>A on transcript NM_173598.6 (MANE Select); coding-DNA position 594, C replaced by A.
Protein change: p.Ser198Arg; replaces serine 198 with arginine.
Molecular consequence: missense variant.
Genome position (GRCh38, 1-based): chr12:117,761,403, G>T on the plus strand (C>A on the coding strand, the complement: KSR2 is on the minus strand). VCF-style: chr12-117761403-G-T. GRCh37 (hg19) VCF-style: chr12-118199208-G-T.
Other names: short protein forms S198R.
Identifiers: ClinVar variation 4996484 (VCV004996484.1).